The following is an entry in ClinVar:

ClinVar aggregate classification (germline): Likely benign. Review status: criteria provided, multiple submitters, no conflicts (2 of 4 stars). 2 submissions from 2 submitters: Likely benign (2). Last evaluated 2026-06-16.

Conditions:
PCNT-related disorder. Also called: PCNT-related condition.

Allele frequency attached by ClinVar (database versions not stated): gnomAD exomes below 0.00001 and 0.00001.
gnomAD v4.1: 8 of 1,614,022 alleles (0.0005%); highest among the groups gnomAD compares: Non-Finnish European, 0.00068%; no homozygotes.

Submissions (2):

PreventionGenetics, part of Exact Sciences
Classification: Likely benign for PCNT-related condition. Last evaluated: 2026-06-16. Review status: criteria provided, single submitter. Criteria: ACMG Guidelines, 2015. Collection method: clinical testing. Allele origin: germline.
Comment: This variant is classified as likely benign based on ACMG/AMP sequence variant interpretation guidelines (Richards et al. 2015 PMID: 25741868, with internal and published modifications).

Labcorp Genetics (formerly Invitae), Labcorp
Classification: Likely benign. Last evaluated: 2021-11-12. Review status: criteria provided, single submitter. Criteria: Invitae Variant Classification Sherloc (09022015). Collection method: clinical testing. Allele origin: germline.

NM_006031.6(PCNT):c.7071C>G (p.Gly2357=)

Gene: PCNT (pericentrin; plus strand). Cytogenetic location: 21q22.3.
Variant type: single nucleotide variant.
Coding change: c.7071C>G on transcript NM_006031.6 (MANE Select); coding-DNA position 7071, C replaced by G.
Protein change: p.Gly2357=; no amino-acid change (glycine 2357 retained).
Molecular consequence: synonymous variant.
Genome position (GRCh38, 1-based): chr21:46,422,016, C>G. VCF-style: chr21-46422016-C-G. GRCh37 (hg19) VCF-style: chr21-47841930-C-G.
Other names: c.6717C>G, p.Gly2239= (NM_001315529.2); c.7071C>G (NM_006031.5).
Identifiers: ClinVar variation 1559332 (VCV001559332.9), dbSNP rs1211115206, ClinGen allele CA512738126.
Genomic context (GRCh38, chr21:46,422,016, plus strand): 5'-TGTGGTGTTTTTAGGTGACGGCTCGGGTTTTGGAGCAAGACTGAGCCCGGGGTCAGGAGG[C>G]CCTGAGGCTCAAACTGCTGGTCCTGTGACCCCTGCTTCCATCTCTGGAAGGTTTCAGCCG-3'
Protein context (NP_006022.3, residues 2347-2367): FGARLSPGSG[Gly2357=]PEAQTAGPVT